The following is an entry in ClinVar:

ClinVar aggregate classification (germline): Uncertain significance (1 of 4 stars; one submission).

Submission:

Labcorp Genetics (formerly Invitae), Labcorp
Classification: Uncertain significance. Last evaluated: 2025-08-16. Review status: criteria provided, single submitter. Criteria: Invitae Variant Classification Sherloc (09022015). Collection method: clinical testing. Allele origin: germline.
Comment: This sequence change replaces serine, which is neutral and polar, with proline, which is neutral and non-polar, at codon 2303 of the ZNF292 protein (p.Ser2303Pro). This variant is not present in population databases (gnomAD no frequency). This variant has not been reported in the literature in individuals affected with ZNF292-related conditions. Invitae Evidence Modeling of protein sequence and biophysical properties (such as structural, functional, and spatial information, amino acid conservation, physicochemical variation, residue mobility, and thermodynamic stability) has been performed for this missense variant. However, the output from this modeling did not meet the statistical confidence thresholds required to predict the impact of this variant on ZNF292 protein function. In summary, the available evidence is currently insufficient to determine the role of this variant in disease. Therefore, it has been classified as a Variant of Uncertain Significance.

NM_015021.3(ZNF292):c.6907T>C (p.Ser2303Pro)

Gene: ZNF292 (zinc finger protein 292; plus strand). Cytogenetic location: 6q14.3.
Variant type: single nucleotide variant.
Coding change: c.6907T>C on transcript NM_015021.3 (MANE Select); coding-DNA position 6907, T replaced by C.
Protein change: p.Ser2303Pro; replaces serine 2303 with proline.
Molecular consequence: missense variant.
Genome position (GRCh38, 1-based): chr6:87,260,536, T>C. VCF-style: chr6-87260536-T-C. GRCh37 (hg19) VCF-style: chr6-87970254-T-C.
Other names: c.6487T>C, p.Ser2163Pro (NM_001351444.2); short protein forms S2303P, S2163P.
Identifiers: ClinVar variation 4738460 (VCV004738460.1).
Genomic context (GRCh38, chr6:87,260,536, plus strand): 5'-GACAAACATAAGGCTCATTTGATTCGTCCAAGAAGATTAACACCAGGCCAGGAAAATATG[T>C]CAAGCAAGGCAAACCAAGAAAAATCAAAGTCTAAACATCGGGGGACCAAGCACAGCAGAT-3'
Protein context (NP_055836.1, residues 2293-2313): RRLTPGQENM[Ser2303Pro]SKANQEKSKS